The following is an entry in ClinVar:

ClinVar aggregate classification (germline): Likely benign (1 of 4 stars; one submission).

Submission:

CeGaT Center for Human Genetics Tuebingen
Classification: Likely benign. Last evaluated: 2026-03-01. Review status: criteria provided, single submitter. Criteria: CeGaT Center For Human Genetics Tuebingen Variant Classification Criteria Version 2. Collection method: clinical testing. Allele origin: germline. Affected: yes. Observed: 1 variant allele.
Comment: TTN: PM2:Supporting, BP4, BP7

NM_001267550.2(TTN):c.99816C>T (p.Leu33272=)

Genes: TTN (titin; minus strand), TTN-AS1 (TTN antisense RNA 1; plus strand), LOC126806420 (BRD4-independent group 4 enhancer GRCh37_chr2:179401104-179402303; plus strand). Cytogenetic location: 2q31.2.
Variant type: single nucleotide variant.
Coding change: c.99816C>T on transcript NM_001267550.2 (MANE Select); coding-DNA position 99816, C replaced by T.
Protein change: p.Leu33272=; no amino-acid change (leucine 33272 retained).
Molecular consequence: synonymous variant. On other transcripts: non-coding transcript variant (1).
Genome position (GRCh38, 1-based): chr2:178,537,391, G>A on the plus strand (C>T on the coding strand, the complement: TTN is on the minus strand). VCF-style: chr2-178537391-G-A. GRCh37 (hg19) VCF-style: chr2-179402118-G-A.
Other names: c.94893C>T, p.Leu31631= (NM_001256850.1); c.72621C>T, p.Leu24207= (NM_003319.4); c.92112C>T, p.Leu30704= (NM_133378.4); c.72996C>T, p.Leu24332= (NM_133432.3); c.73197C>T, p.Leu24399= (NM_133437.4).
Identifiers: ClinVar variation 4823678 (VCV004823678.4).